The following is an entry in ClinVar:

ClinVar aggregate classification (germline): Likely benign. Review status: criteria provided, multiple submitters, no conflicts (2 of 4 stars). 3 submissions from 3 submitters: Likely benign (3). Last evaluated 2025-11-01.

Conditions:
Cowden syndrome 6 (CWS6). Identifiers: Orphanet 201, MedGen C3554519, MONDO:0014048, OMIM 615109.
Inborn genetic diseases. Identifiers: MedGen C0950123, MeSH D030342.

Allele frequency attached by ClinVar (database versions not stated): gnomAD exomes below 0.00001 and 0.00001; TOPMed 0.00001; ExAC 0.00002; ESP Exome Variant Server 0.00008.
gnomAD v4.1: 10 of 1,613,322 alleles (0.00062%); highest among the groups gnomAD compares: Admixed American, 0.0033%; no homozygotes.

Submissions (3):

CeGaT Center for Human Genetics Tuebingen
Classification: Likely benign. Last evaluated: 2025-11-01. Review status: criteria provided, single submitter. Criteria: CeGaT Center For Human Genetics Tuebingen Variant Classification Criteria Version 2. Collection method: clinical testing. Allele origin: germline. Affected: yes. Observed: 1 variant allele.
Comment: AKT1: BP4, BP7

Labcorp Genetics (formerly Invitae), Labcorp
Classification: Likely benign for Cowden syndrome 6. Last evaluated: 2024-04-05. Review status: criteria provided, single submitter. Criteria: Invitae Variant Classification Sherloc (09022015). Collection method: clinical testing. Allele origin: germline.

Ambry Genetics
Classification: Likely benign for Inborn genetic diseases. Last evaluated: 2022-04-19. Review status: criteria provided, single submitter. Criteria: Ambry Variant Classification Scheme 2023. Collection method: clinical testing. Allele origin: germline.

NM_001382430.1(AKT1):c.1134C>T (p.Ser378=)

Gene: AKT1 (AKT serine/threonine kinase 1; minus strand). Cytogenetic location: 14q32.33.
Variant type: single nucleotide variant.
Coding change: c.1134C>T on transcript NM_001382430.1 (MANE Select); coding-DNA position 1134, C replaced by T.
Protein change: p.Ser378=; no amino-acid change (serine 378 retained).
Molecular consequence: synonymous variant.
Genome position (GRCh38, 1-based): chr14:104,772,916, G>A on the plus strand (C>T on the coding strand, the complement: AKT1 is on the minus strand). VCF-style: chr14-104772916-G-A. GRCh37 (hg19) VCF-style: chr14-105239253-G-A.
Other names: c.1134C>T, p.Ser378= (NM_001014431.2, NM_001014432.2, NM_001382431.1 and 3 more transcripts).
Identifiers: ClinVar variation 540901 (VCV000540901.18), dbSNP rs369527283, ClinGen allele CA7374562.